The following is an entry in ClinVar:

ClinVar aggregate classification (germline): Uncertain significance. Review status: criteria provided, multiple submitters, no conflicts (2 of 4 stars). 3 submissions from 3 submitters: Uncertain significance (3). Last evaluated 2024-05-21.

Conditions:
Episodic ataxia type 1 (EA1). Also called: PAROXYSMAL ATAXIA WITH NEUROMYOTONIA, HEREDITARY; ATAXIA, EPISODIC, WITH MYOKYMIA; Episodic ataxia/myokymia syndrome; MYOKYMIA WITH PERIODIC ATAXIA. Identifiers: Orphanet 37612, Orphanet 972, MedGen C1719788, MONDO:0008047, OMIM 160120.

Allele frequency attached by ClinVar (database versions not stated): gnomAD exomes below 0.00001; ExAC 0.00001; gnomAD 0.00001; TOPMed 0.00002.
gnomAD v4.1: 2 of 1,613,770 alleles (0.00012%); highest among the groups gnomAD compares: Admixed American, 0.0017%; no homozygotes.

Submissions (3):

Labcorp Genetics (formerly Invitae), Labcorp
Classification: Uncertain significance for Episodic ataxia type 1. Last evaluated: 2024-05-21. Review status: criteria provided, single submitter. Criteria: Invitae Variant Classification Sherloc (09022015). Collection method: clinical testing. Allele origin: germline.
Comment: This sequence change replaces isoleucine, which is neutral and non-polar, with threonine, which is neutral and polar, at codon 137 of the KCNA1 protein (p.Ile137Thr). This variant is present in population databases (rs780062452, gnomAD 0.007%). This variant has not been reported in the literature in individuals affected with KCNA1-related conditions. ClinVar contains an entry for this variant (Variation ID: 1376408). Advanced modeling of protein sequence and biophysical properties (such as structural, functional, and spatial information, amino acid conservation, physicochemical variation, residue mobility, and thermodynamic stability) performed at Invitae indicates that this missense variant is not expected to disrupt KCNA1 protein function with a negative predictive value of 80%. In summary, the available evidence is currently insufficient to determine the role of this variant in disease. Therefore, it has been classified as a Variant of Uncertain Significance.

Fulgent Genetics
Classification: Uncertain significance for Episodic ataxia type 1. Last evaluated: 2024-03-13. Review status: criteria provided, single submitter. Criteria: ACMG Guidelines, 2015. Collection method: clinical testing. Allele origin: germline.

GeneDx
Classification: Uncertain significance. Last evaluated: 2023-11-20. Review status: criteria provided, single submitter. Criteria: GeneDx Variant Classification Process June 2021. Collection method: clinical testing. Allele origin: germline. Affected: yes.
Comment: Not observed at significant frequency in large population cohorts (gnomAD); In silico analysis supports that this missense variant has a deleterious effect on protein structure/function; Has not been previously published as pathogenic or benign to our knowledge

NM_000217.3(KCNA1):c.410T>C (p.Ile137Thr)

Gene: KCNA1 (potassium voltage-gated channel subfamily A member 1; plus strand). Cytogenetic location: 12p13.32.
Variant type: single nucleotide variant.
Coding change: c.410T>C on transcript NM_000217.3 (MANE Select); coding-DNA position 410, T replaced by C.
Protein change: p.Ile137Thr; replaces isoleucine 137 with threonine.
Molecular consequence: missense variant.
Genome position (GRCh38, 1-based): chr12:4,911,788, T>C. VCF-style: chr12-4911788-T-C. GRCh37 (hg19) VCF-style: chr12-5020954-T-C.
Other names: c.410T>C (NM_000217.2); short protein forms I137T.
Identifiers: ClinVar variation 1376408 (VCV001376408.8), dbSNP rs780062452, ClinGen allele CA6399381.
Genomic context (GRCh38, chr12:4,911,788, plus strand): 5'-TCAAGTTTTACGAGTTGGGCGAGGAGGCCATGGAGAAGTTCCGGGAGGACGAGGGCTTCA[T>C]CAAGGAGGAGGAGCGCCCTCTGCCCGAGAAGGAGTACCAGCGCCAGGTGTGGCTGCTCTT-3'
Protein context (NP_000208.2, residues 127-147): MEKFREDEGF[Ile137Thr]KEEERPLPEK